The following is an entry in ClinVar:

NM_030773.4(TUBB1):c.1279G>A (p.Asp427Asn)

Gene: TUBB1 (tubulin beta 1 class VI; plus strand). Cytogenetic location: 20q13.32.
Variant type: single nucleotide variant.
Coding change: c.1279G>A on transcript NM_030773.4 (MANE Select); coding-DNA position 1279, G replaced by A.
Protein change: p.Asp427Asn; replaces aspartic acid 427 with asparagine.
Molecular consequence: missense variant.
Genome position (GRCh38, 1-based): chr20:59,024,706, G>A. VCF-style: chr20-59024706-G-A. GRCh37 (hg19) VCF-style: chr20-57599761-G-A.
Other names: short protein forms D427N.
Identifiers: ClinVar variation 3020925 (VCV003020925.6), dbSNP rs760049424, ClinGen allele CA9928690.

ClinVar aggregate classification (germline): Uncertain significance. Review status: criteria provided, multiple submitters, no conflicts (2 of 4 stars). 3 submissions from 3 submitters: Uncertain significance (2). 1 of the submissions does not count toward it. Last evaluated 2025-12-22.

Conditions:
TUBB1-related disorder. Also called: TUBB1-related condition.

Allele frequency attached by ClinVar (database versions not stated): ExAC 0.00001; gnomAD 0.00002; gnomAD exomes 0.00003; TOPMed 0.00005.
gnomAD v4.1: 46 of 1,614,036 alleles (0.0028%); highest among the groups gnomAD compares: Non-Finnish European, 0.0034%; 1 homozygote.

Submissions (3):

Labcorp Genetics (formerly Invitae), Labcorp
Classification: Uncertain significance. Last evaluated: 2025-12-22. Review status: criteria provided, single submitter. Criteria: Invitae Variant Classification Sherloc (09022015). Collection method: clinical testing. Allele origin: germline.
Comment: This sequence change replaces aspartic acid, which is acidic and polar, with asparagine, which is neutral and polar, at codon 427 of the TUBB1 protein (p.Asp427Asn). This variant is present in population databases (rs760049424, gnomAD 0.004%). This variant has not been reported in the literature in individuals affected with TUBB1-related conditions. ClinVar contains an entry for this variant (Variation ID: 3020925). Invitae Evidence Modeling of protein sequence and biophysical properties (such as structural, functional, and spatial information, amino acid conservation, physicochemical variation, residue mobility, and thermodynamic stability) indicates that this missense variant is not expected to disrupt TUBB1 protein function with a negative predictive value of 80%. In summary, the available evidence is currently insufficient to determine the role of this variant in disease. Therefore, it has been classified as a Variant of Uncertain Significance.

Blueprint Genetics
Classification: Uncertain significance. Last evaluated: 2024-08-16. Review status: criteria provided, single submitter. Criteria: ACMG Guidelines, 2015. Collection method: clinical testing. Allele origin: germline.

PreventionGenetics, part of Exact Sciences
Classification: Uncertain significance for TUBB1-related condition. Last evaluated: 2024-01-10. Review status: no assertion criteria provided. Collection method: clinical testing. Allele origin: germline. Not counted in ClinVar's aggregate classification.
Comment: The TUBB1 c.1279G>A variant is predicted to result in the amino acid substitution p.Asp427Asn. To our knowledge, this variant has not been reported in the literature. This variant is reported in 0.0035% of alleles in individuals of European (Non-Finnish) descent in gnomAD. At this time, the clinical significance of this variant is uncertain due to the absence of conclusive functional and genetic evidence.